The following is an entry in ClinVar:

NM_000179.3(MSH6):c.308A>T (p.Tyr103Phe)

Gene: MSH6 (mutS homolog 6; plus strand). Cytogenetic location: 2p16.3.
Variant type: single nucleotide variant.
Coding change: c.308A>T on transcript NM_000179.3 (MANE Select); coding-DNA position 308, A replaced by T.
Protein change: p.Tyr103Phe; replaces tyrosine 103 with phenylalanine.
Molecular consequence: missense variant. On other transcripts: 5 prime UTR variant (2), intron variant (1).
Genome position (GRCh38, 1-based): chr2:47,790,974, A>T. VCF-style: chr2-47790974-A-T. GRCh37 (hg19) VCF-style: chr2-48018113-A-T.
Other names: c.-429A>T (NM_001281493.2); c.-595A>T (NM_001281494.2); c.237+7504A>T (NM_001281492.2); short protein forms Y103F.
Identifiers: ClinVar variation 822836 (VCV000822836.4), dbSNP rs777900107, ClinGen allele CA070032.

ClinVar aggregate classification (germline): Uncertain significance (1 of 4 stars; one submission).

Conditions:
Hereditary cancer-predisposing syndrome. Also called: Tumor predisposition; Hereditary Cancer Syndrome; Neoplastic Syndromes, Hereditary; Hereditary neoplastic syndrome. Identifiers: Orphanet 140162, MedGen C0027672, MeSH D009386, MONDO:0015356.

Allele frequency attached by ClinVar (database versions not stated): gnomAD exomes 0.00001; ExAC 0.00002.
gnomAD v4.1: 3 of 1,614,178 alleles (0.00019%); highest among the groups gnomAD compares: Non-Finnish European, 0.00017%; no homozygotes.

Submission:

Ambry Genetics
Classification: Uncertain significance for Hereditary cancer-predisposing syndrome. Last evaluated: 2018-12-06. Review status: criteria provided, single submitter. Criteria: Ambry Variant Classification Scheme 2023. Collection method: clinical testing. Allele origin: germline.
Comment: The p.Y103F variant (also known as c.308A>T), located in coding exon 2 of the MSH6 gene, results from an A to T substitution at nucleotide position 308. The tyrosine at codon 103 is replaced by phenylalanine, an amino acid with highly similar properties. This amino acid position is not well conserved in available vertebrate species. In addition, this alteration is predicted to be tolerated by in silico analysis. In addition, the CoDP in silico tool predicts this alteration to have minor impact on molecular function, with a score of 0.001 (Terui H et al. J. Biomed. Sci. 2013 Apr;20:25). Since supporting evidence is limited at this time, the clinical significance of this alteration remains unclear.